The following is an entry in ClinVar:

NM_020884.7(MYH7B):c.4540+4G>A

Gene: MYH7B (myosin heavy chain 7B; plus strand). Cytogenetic location: 20q11.22.
Variant type: single nucleotide variant.
Coding change: c.4540+4G>A on transcript NM_020884.7 (MANE Select); 4 bases into the intron after coding-DNA position 4540, G replaced by A.
Molecular consequence: intron variant.
Genome position (GRCh38, 1-based): chr20:34,999,409, G>A. VCF-style: chr20-34999409-G-A. GRCh37 (hg19) VCF-style: chr20-33587212-G-A.
Identifiers: ClinVar variation 2968256 (VCV002968256.3), dbSNP rs772394060, ClinGen allele CA9828137.

ClinVar aggregate classification (germline): Uncertain significance (1 of 4 stars; one submission).

Allele frequency attached by ClinVar (database versions not stated): gnomAD 0.00001; gnomAD exomes 0.00002; TOPMed 0.00002; ExAC 0.00003.
gnomAD v4.1: 10 of 1,509,884 alleles (0.00066%); highest among the groups gnomAD compares: Non-Finnish European, 0.00089%; no homozygotes.

Submission:

Labcorp Genetics (formerly Invitae), Labcorp
Classification: Uncertain significance. Last evaluated: 2023-09-15. Review status: criteria provided, single submitter. Criteria: Invitae Variant Classification Sherloc (09022015). Collection method: clinical testing. Allele origin: germline.
Comment: This variant is present in population databases (rs772394060, gnomAD 0.002%). In summary, the available evidence is currently insufficient to determine the role of this variant in disease. Therefore, it has been classified as a Variant of Uncertain Significance. Variants that disrupt the consensus splice site are a relatively common cause of aberrant splicing (PMID: 17576681, 9536098). Algorithms developed to predict the effect of sequence changes on RNA splicing suggest that this variant is not likely to affect RNA splicing. This variant has not been reported in the literature in individuals affected with MYH7B-related conditions. This sequence change falls in intron 36 of the MYH7B gene. It does not directly change the encoded amino acid sequence of the MYH7B protein. It affects a nucleotide within the consensus splice site.

Literature cited by the submitters: PubMed 17576681; PubMed 9536098.